The following is an entry in ClinVar:

NM_001458.5(FLNC):c.1064C>T (p.Ala355Val)

Gene: FLNC (filamin C; plus strand). Cytogenetic location: 7q32.1.
Variant type: single nucleotide variant.
Coding change: c.1064C>T on transcript NM_001458.5 (MANE Select); coding-DNA position 1064, C replaced by T.
Protein change: p.Ala355Val; replaces alanine 355 with valine.
Molecular consequence: missense variant.
Genome position (GRCh38, 1-based): chr7:128,838,283, C>T. VCF-style: chr7-128838283-C-T. GRCh37 (hg19) VCF-style: chr7-128478337-C-T.
Other names: c.1064C>T, p.Ala355Val (NM_001127487.2); short protein forms A355V.
Identifiers: ClinVar variation 1505673 (VCV001505673.8), dbSNP rs1231559702, ClinGen allele CA369223574.

ClinVar aggregate classification (germline): Uncertain significance (1 of 4 stars; one submission).

Conditions:
Hypertrophic cardiomyopathy 26. Also called: Cardiomyopathy, familial hypertrophic, 26. Identifiers: Orphanet 75249, MedGen C4310749, MONDO:0014883, OMIM 617047.
Myofibrillar myopathy 5. Also called: Filaminopathy (type); FILAMINOPATHY, AUTOSOMAL DOMINANT. Identifiers: Orphanet 171445, MedGen C1836050, MONDO:0012289, OMIM 609524.
Distal myopathy with posterior leg and anterior hand involvement. Also called: WILLIAMS DISTAL MYOPATHY. Identifiers: Orphanet 63273, MedGen C3279722, MONDO:0013550, OMIM 614065.

Submission:

Labcorp Genetics (formerly Invitae), Labcorp
Classification: Uncertain significance for Distal myopathy with posterior leg and anterior hand involvement; Myofibrillar myopathy 5; Hypertrophic cardiomyopathy 26. Last evaluated: 2021-03-16. Review status: criteria provided, single submitter. Criteria: Invitae Variant Classification Sherloc (09022015). Collection method: clinical testing. Allele origin: germline.
Comment: In summary, the available evidence is currently insufficient to determine the role of this variant in disease. Therefore, it has been classified as a Variant of Uncertain Significance. Algorithms developed to predict the effect of missense changes on protein structure and function are either unavailable or do not agree on the potential impact of this missense change (SIFT: "Tolerated"; PolyPhen-2: "Probably Damaging"; Align-GVGD: "Class C0"). This variant has not been reported in the literature in individuals with FLNC-related conditions. This variant is not present in population databases (ExAC no frequency). This sequence change replaces alanine with valine at codon 355 of the FLNC protein (p.Ala355Val). The alanine residue is moderately conserved and there is a small physicochemical difference between alanine and valine.